The following is an entry in ClinVar:

NM_006904.7(PRKDC):c.4001A>T (p.Lys1334Ile)

Gene: PRKDC (protein kinase, DNA-activated, catalytic subunit; minus strand). Cytogenetic location: 8q11.21.
Variant type: single nucleotide variant.
Coding change: c.4001A>T on transcript NM_006904.7 (MANE Select); coding-DNA position 4001, A replaced by T.
Protein change: p.Lys1334Ile; replaces lysine 1334 with isoleucine.
Molecular consequence: missense variant.
Genome position (GRCh38, 1-based): chr8:47,890,327, T>A on the plus strand (A>T on the coding strand, the complement: PRKDC is on the minus strand). VCF-style: chr8-47890327-T-A. GRCh37 (hg19) VCF-style: chr8-48802888-T-A.
Other names: c.4001A>T, p.Lys1334Ile (NM_001081640.2); short protein forms K1334I.
Identifiers: ClinVar variation 3225853 (VCV003225853.1), dbSNP rs2551873932, ClinGen allele CA371148528.

ClinVar aggregate classification (germline): Uncertain significance (1 of 4 stars; one submission).

Submission:

Ambry Genetics
Classification: Uncertain significance. Last evaluated: 2024-02-05. Review status: criteria provided, single submitter. Criteria: Ambry Variant Classification Scheme 2023. Collection method: clinical testing. Allele origin: germline.
Comment: The p.K1334I variant (also known as c.4001A>T), located in coding exon 32 of the PRKDC gene, results from an A to T substitution at nucleotide position 4001. The lysine at codon 1334 is replaced by isoleucine, an amino acid with dissimilar properties. This amino acid position is conserved. In addition, this alteration is predicted to be tolerated by in silico analysis. Based on the available evidence, the clinical significance of this alteration remains unclear.